The following is an entry in ClinVar:

NM_001374736.1(DST):c.16189C>A (p.Gln5397Lys)

Gene: DST (dystonin; minus strand). Cytogenetic location: 6p12.1.
Variant type: single nucleotide variant.
Coding change: c.16189C>A on transcript NM_001374736.1 (MANE Select); coding-DNA position 16189, C replaced by A.
Protein change: p.Gln5397Lys; replaces glutamine 5397 with lysine.
Molecular consequence: missense variant.
Genome position (GRCh38, 1-based): chr6:56,552,603, G>T on the plus strand (C>A on the coding strand, the complement: DST is on the minus strand). VCF-style: chr6-56552603-G-T. GRCh37 (hg19) VCF-style: chr6-56417401-G-T.
Other names: c.9832C>A, p.Gln3278Lys (NM_001144769.5); c.9418C>A, p.Gln3140Lys (NM_001144770.2); c.16189C>A, p.Gln5397Lys (NM_001374722.1); c.15556C>A, p.Gln5186Lys (NM_001374729.1); c.9298C>A, p.Gln3100Lys (NM_001374730.1, NM_001386100.1, NM_183380.4); c.16216C>A, p.Gln5406Lys (NM_001374734.1); c.8320C>A, p.Gln2774Lys (NM_015548.5); short protein forms Q5397K, Q5406K, Q2774K, Q3100K, Q3140K, Q3278K, Q5186K.
Identifiers: ClinVar variation 2096227 (VCV002096227.4), dbSNP rs2535329953, ClinGen allele CA364514168.
Genomic context (GRCh38, chr6:56,552,603, plus strand): 5'-TTTCTGCATCTCTCCCCACTGGAGCCATGCTATCCAGTTCATCATCAAACTCTGCGAACT[G>T]AGAAAACATTTCTCGAATGGTATTCTGGAAATGCCCAATGCCCTGAAGCTTGGTTTCTAA-3'
Protein context (NP_001361665.1, residues 5387-5407): FQNTIREMFS[Gln5397Lys]FAEFDDELDS

ClinVar aggregate classification (germline): Uncertain significance (1 of 4 stars; one submission).

Conditions:
Epidermolysis bullosa simplex 3, localized or generalized intermediate, with BP230 deficiency (EBS3). Also called: Epidermolysis bullosa simplex due to BP230 deficiency; Epidermolysis bullosa simplex, autosomal recessive 2. Identifiers: Orphanet 412181, MedGen C3809470, MONDO:0014180, OMIM 615425.
Hereditary sensory and autonomic neuropathy type 6. Also called: HSAN VI; Neuropathy, hereditary sensory and autonomic, type VI. Identifiers: Orphanet 314381, MedGen C3539003, MONDO:0013839, OMIM 614653.

Submission:

Labcorp Genetics (formerly Invitae), Labcorp
Classification: Uncertain significance for Epidermolysis bullosa simplex 3, localized or generalized intermediate, with BP230 deficiency; Hereditary sensory and autonomic neuropathy type 6. Last evaluated: 2024-10-17. Review status: criteria provided, single submitter. Criteria: Invitae Variant Classification Sherloc (09022015). Collection method: clinical testing. Allele origin: germline.
Comment: The DST gene has multiple clinically relevant transcripts. This variant occurs in alternate transcript NM_015548.4, and corresponds to NM_001723.5:c.*62914C>A in the primary transcript. This sequence change replaces glutamine, which is neutral and polar, with lysine, which is basic and polar, at codon 2774 of the DST protein (p.Gln2774Lys). This variant is not present in population databases (gnomAD no frequency). This variant has not been reported in the literature in individuals affected with DST-related conditions. Experimental studies and prediction algorithms are not available or were not evaluated, and the functional significance of this variant is currently unknown. In summary, the available evidence is currently insufficient to determine the role of this variant in disease. Therefore, it has been classified as a Variant of Uncertain Significance.